The following is an entry in ClinVar:

NM_005609.4(PYGM):c.46G>A (p.Val16Met)

Gene: PYGM (glycogen phosphorylase, muscle associated; minus strand). Cytogenetic location: 11q13.1.
Variant type: single nucleotide variant.
Coding change: c.46G>A on transcript NM_005609.4 (MANE Select); coding-DNA position 46, G replaced by A.
Protein change: p.Val16Met; replaces valine 16 with methionine.
Molecular consequence: missense variant.
Genome position (GRCh38, 1-based): chr11:64,759,853, C>T on the plus strand (G>A on the coding strand, the complement: PYGM is on the minus strand). VCF-style: chr11-64759853-C-T. GRCh37 (hg19) VCF-style: chr11-64527325-C-T.
Other names: c.46G>A, p.Val16Met (NM_001164716.1); short protein forms V16M.
Identifiers: ClinVar variation 1921777 (VCV001921777.5), dbSNP rs555856016, ClinGen allele CA223889435.

ClinVar aggregate classification (germline): Uncertain significance (1 of 4 stars; one submission).

Conditions:
Glycogen storage disease, type V (GSD5). Also called: McArdle type glycogen storage disease; MCARDLE DISEASE; MUSCLE GLYCOGEN PHOSPHORYLASE DEFICIENCY; MYOPHOSPHORYLASE DEFICIENCY; PYGM DEFICIENCY. Identifiers: Orphanet 368, MedGen C0017924, MONDO:0009293, OMIM 232600.

Allele frequency attached by ClinVar (database versions not stated): gnomAD 0.00001; 1000 Genomes Project 30x 0.00016; 1000 Genomes Project 0.00020.
gnomAD v4.1: 1 of 1,614,232 alleles (0.000062%); highest among the groups gnomAD compares: East Asian, 0.0022%; no homozygotes.

Submission:

Labcorp Genetics (formerly Invitae), Labcorp
Classification: Uncertain significance for Glycogen storage disease, type V. Last evaluated: 2022-07-06. Review status: criteria provided, single submitter. Criteria: Invitae Variant Classification Sherloc (09022015). Collection method: clinical testing. Allele origin: germline.
Comment: This variant has not been reported in the literature in individuals affected with PYGM-related conditions. This variant is not present in population databases (gnomAD no frequency). This sequence change replaces valine, which is neutral and non-polar, with methionine, which is neutral and non-polar, at codon 16 of the PYGM protein (p.Val16Met). Algorithms developed to predict the effect of missense changes on protein structure and function are either unavailable or do not agree on the potential impact of this missense change (SIFT: "Not Available"; PolyPhen-2: "Probably Damaging"; Align-GVGD: "Not Available"). In summary, the available evidence is currently insufficient to determine the role of this variant in disease. Therefore, it has been classified as a Variant of Uncertain Significance.